The following is an entry in ClinVar:

ClinVar aggregate classification (germline): Uncertain significance (1 of 4 stars; one submission).

Submission:

Women's Health and Genetics/Laboratory Corporation of America, LabCorp
Classification: Uncertain significance. Last evaluated: 2024-09-25. Review status: criteria provided, single submitter. Criteria: LabCorp Variant Classification Summary - May 2015. Collection method: clinical testing. Allele origin: germline.
Comment: Variant summary: The variant involves the duplication of exon 5 in the PRORP gene. A presumed nomenclature of c.(1167+1_1168-1)_(1275+1_1276-1)dup has been designated for the purposes of this classification. It is assumed to be a tandem duplication in direct orientation (PMIDs: 25640679, 30054569). This Copy Number Variant (CNV) is predicted to result in an in-frame duplication within this gene. The variant was absent in 21694 control chromosomes. The available data on variant occurrences in the general population are insufficient to allow any conclusion about variant significance. To our knowledge, no occurrence of c.(1167+1_1168-1)_(1275+1_1276-1)dup in individuals affected with Combined Oxidative Phosphorylation Deficiency 54 and no experimental evidence demonstrating its impact on protein function have been reported. No submitters have cited clinical-significance assessments for this variant to ClinVar. Based on the evidence outlined above, the variant was classified as uncertain significance.

NC_000014.8:g.(35596818_35649875)_(35649984_35735932)dup

Gene: PRORP (protein only RNase P catalytic subunit; plus strand). Cytogenetic location: 14q13.2.
Variant type: Duplication.
Identifiers: ClinVar variation 3375220 (VCV003375220.1).